The following is an entry in ClinVar:

NM_000051.4(ATM):c.7596G>A (p.Met2532Ile)

Genes: ATM (ATM serine/threonine kinase; plus strand), C11orf65 (chromosome 11 open reading frame 65; minus strand). Cytogenetic location: 11q22.3.
Variant type: single nucleotide variant.
Coding change: c.7596G>A on transcript NM_000051.4 (MANE Select); coding-DNA position 7596, G replaced by A.
Protein change: p.Met2532Ile; replaces methionine 2532 with isoleucine.
Molecular consequence: missense variant. On other transcripts: non-coding transcript variant (1), intron variant (2).
Genome position (GRCh38, 1-based): chr11:108,331,524, G>A. VCF-style: chr11-108331524-G-A. GRCh37 (hg19) VCF-style: chr11-108202251-G-A.
Other names: c.7596G>A, p.Met2532Ile (NM_001351834.2); c.641-22453C>T (NM_001330368.2); c.*38+3696C>T (NM_001351110.2); short protein forms M2532I.
Identifiers: ClinVar variation 141577 (VCV000141577.15), dbSNP rs587781854, ClinGen allele CA165837.

ClinVar aggregate classification (germline): Uncertain significance. Review status: criteria provided, multiple submitters, no conflicts (2 of 4 stars). 4 submissions from 4 submitters: Uncertain significance (4). Last evaluated 2025-12-03.

Conditions:
Hereditary cancer-predisposing syndrome. Also called: Neoplastic Syndromes, Hereditary; Hereditary Cancer Syndrome; Tumor predisposition; Hereditary neoplastic syndrome. Identifiers: Orphanet 140162, MedGen C0027672, MeSH D009386, MONDO:0015356.
Ataxia-telangiectasia syndrome (AT). Also called: Ataxia-telangiectasia, complementation group D; AT, COMPLEMENTATION GROUP C; Ataxia-telangiectasia; ATAXIA-TELANGIECTASIA, COMPLEMENTATION GROUP A; ATAXIA-TELANGIECTASIA, FRESNO VARIANT; Ataxia-telangiectasia, complementation group E. Identifiers: Orphanet 100, MedGen C0004135, MONDO:0008840, OMIM 208900.

Allele frequency attached by ClinVar (database versions not stated): gnomAD exomes below 0.00001.
gnomAD v4.1: 1 of 1,612,930 alleles (0.000062%); highest among the groups gnomAD compares: Non-Finnish European, 0.000085%; no homozygotes.

Submissions (4):

Labcorp Genetics (formerly Invitae), Labcorp
Classification: Uncertain significance for Ataxia-telangiectasia syndrome. Last evaluated: 2025-12-03. Review status: criteria provided, single submitter. Criteria: Invitae Variant Classification Sherloc (09022015). Collection method: clinical testing. Allele origin: germline.
Comment: This sequence change replaces methionine, which is neutral and non-polar, with isoleucine, which is neutral and non-polar, at codon 2532 of the ATM protein (p.Met2532Ile). This variant is not present in population databases (gnomAD no frequency). This variant has not been reported in the literature in individuals affected with ATM-related conditions. ClinVar contains an entry for this variant (Variation ID: 141577). Invitae Evidence Modeling of protein sequence and biophysical properties (such as structural, functional, and spatial information, amino acid conservation, physicochemical variation, residue mobility, and thermodynamic stability) indicates that this missense variant is not expected to disrupt ATM protein function with a negative predictive value of 95%. In summary, the available evidence is currently insufficient to determine the role of this variant in disease. Therefore, it has been classified as a Variant of Uncertain Significance.

Color Diagnostics, LLC DBA Color Health
Classification: Uncertain significance for Hereditary cancer-predisposing syndrome. Last evaluated: 2024-03-06. Review status: criteria provided, single submitter. Criteria: ACMG Guidelines, 2015. Collection method: clinical testing. Allele origin: germline.
Comment: This missense variant replaces methionine with isoleucine at codon 2532 of the ATM protein. Computational prediction suggests that this variant may not impact protein structure and function (internally defined REVEL score threshold <= 0.5, PMID: 27666373). To our knowledge, functional studies have not been reported for this variant. This variant has not been reported in individuals affected with hereditary cancer in the literature. This variant has not been identified in the general population by the Genome Aggregation Database (gnomAD). The available evidence is insufficient to determine the role of this variant in disease conclusively. Therefore, this variant is classified as a Variant of Uncertain Significance.

Ambry Genetics
Classification: Uncertain significance for Hereditary cancer-predisposing syndrome. Last evaluated: 2023-02-03. Review status: criteria provided, single submitter. Criteria: Ambry Variant Classification Scheme 2023. Collection method: clinical testing. Allele origin: germline.
Comment: The p.M2532I variant (also known as c.7596G>A), located in coding exon 50 of the ATM gene, results from a G to A substitution at nucleotide position 7596. The methionine at codon 2532 is replaced by isoleucine, an amino acid with highly similar properties. This amino acid position is not well conserved in available vertebrate species. In addition, this alteration is predicted to be tolerated by in silico analysis. Since supporting evidence is limited at this time, the clinical significance of this alteration remains unclear.

GeneDx
Classification: Uncertain significance. Last evaluated: 2016-06-09. Review status: criteria provided, single submitter. Criteria: GeneDx Variant Classification (06012015). Collection method: clinical testing. Allele origin: germline. Affected: yes.
Comment: This variant is denoted ATM c.7596G>A at the cDNA level, p.Met2532Ile (M2532I) at the protein level, and results in the change of a Methionine to an Isoleucine (ATG>ATA). This variant has not, to our knowledge, been published in the literature as pathogenic or benign. ATM Met2532Ile was not observed in approximately 6,500 individuals of European and African American ancestry in the NHLBI Exome Sequencing Project, suggesting it is not a common benign variant in these populations. Since Methionine and Isoleucine share similar properties, this is considered a conservative amino acid substitution. ATM Met2532Ile occurs at a position that is not conserved and is located in the FAT domain (Tavtigian 2009, Stracker 2013). In silico analyses are inconsistent regarding the effect this variant may have on protein structure and function. Based on currently available evidence, it is unclear whether ATM Met2532Ile is a pathogenic or benign variant. We consider it to be a variant of uncertain significance.